The following is an entry in ClinVar:

NM_000127.3(EXT1):c.963G>A (p.Lys321=)

Gene: EXT1 (exostosin glycosyltransferase 1; minus strand). Cytogenetic location: 8q24.11.
Variant type: single nucleotide variant.
Coding change: c.963G>A on transcript NM_000127.3 (MANE Select); coding-DNA position 963, G replaced by A.
Protein change: p.Lys321=; no amino-acid change (lysine 321 retained).
Molecular consequence: synonymous variant.
Genome position (GRCh38, 1-based): chr8:117,837,201, C>T on the plus strand (G>A on the coding strand, the complement: EXT1 is on the minus strand). VCF-style: chr8-117837201-C-T. GRCh37 (hg19) VCF-style: chr8-118849440-C-T.
Identifiers: ClinVar variation 2054470 (VCV002054470.5), dbSNP rs150109153, ClinGen allele CA4854274.

ClinVar aggregate classification (germline): Conflicting classifications of pathogenicity. Review status: criteria provided, conflicting classifications (1 of 4 stars). 2 submissions from 2 submitters: Uncertain significance (1); Likely benign (1). Last evaluated 2025-11-06.

Conditions:
Inborn genetic diseases. Identifiers: MedGen C0950123, MeSH D030342.
Multiple congenital exostosis (EXT). Also called: Hereditary multiple exostoses; Hereditary multiple exostosis; Hereditary multiple osteochondromas; MULTIPLE CARTILAGINOUS EXOSTOSES; Multiple exostoses; Multiple osteochondromas. Identifiers: Orphanet 321, MedGen C0015306, MONDO:0005508, HP:0002762.

Allele frequency attached by ClinVar (database versions not stated): gnomAD 0.00001; TOPMed 0.00002; ExAC 0.00003; ESP Exome Variant Server 0.00008.
gnomAD v4.1: 44 of 1,612,228 alleles (0.0027%); highest among the groups gnomAD compares: Non-Finnish European, 0.0036%; no homozygotes.

Submissions (2):

Ambry Genetics
Classification: Likely benign for Inborn genetic diseases. Last evaluated: 2025-11-06. Review status: criteria provided, single submitter. Criteria: Ambry Variant Classification Scheme 2023. Collection method: clinical testing. Allele origin: germline.

Labcorp Genetics (formerly Invitae), Labcorp
Classification: Uncertain significance for Multiple congenital exostosis. Last evaluated: 2024-10-07. Review status: criteria provided, single submitter. Criteria: Invitae Variant Classification Sherloc (09022015). Collection method: clinical testing. Allele origin: germline.
Comment: This sequence change affects codon 321 of the EXT1 mRNA. It is a 'silent' change, meaning that it does not change the encoded amino acid sequence of the EXT1 protein. It affects a nucleotide within the consensus splice site. This variant is present in population databases (rs150109153, gnomAD 0.007%). This variant has not been reported in the literature in individuals affected with EXT1-related conditions. ClinVar contains an entry for this variant (Variation ID: 2054470). Algorithms developed to predict the effect of sequence changes on RNA splicing suggest that this variant is not likely to affect RNA splicing. In summary, the available evidence is currently insufficient to determine the role of this variant in disease. Therefore, it has been classified as a Variant of Uncertain Significance.